The following is an entry in ClinVar:

NM_144670.6(A2ML1):c.2712+16del

Gene: A2ML1 (alpha-2-macroglobulin like 1; plus strand). Cytogenetic location: 12p13.31.
Variant type: Deletion.
Coding change: c.2712+16del on transcript NM_144670.6 (MANE Select); 16 bases into the intron after coding-DNA position 2712, one base deleted (A; older notation c.2712+16delA).
Molecular consequence: intron variant.
Genome position (GRCh38, 1-based): chr12:8,854,265, A deleted. VCF-style (leftmost placement, unchanged base first): chr12-8854264-GA-G. GRCh37 (hg19) VCF-style: chr12-9006860-GA-G.
Other names: c.1239+16del (NM_001282424.3).
Identifiers: ClinVar variation 513304 (VCV000513304.1), dbSNP rs1555113735, ClinGen allele CA478302393.
Genomic context (GRCh38, chr12:8,854,264, plus strand): 5'-CCAAAAGGGCCGAAGTGACACGCTCATCAAGCCAGTTCTCGTCAAAGTGAGTTTTCTTCA[GA>G]GGTAGAGACAGCAACCAACCGAGGGATGCTCAGCATCTCGTCTTGCTGTGAGTTAGTCTC-3'

ClinVar aggregate classification (germline): Likely benign (1 of 4 stars; one submission).

Submission:

GeneDx
Classification: Likely benign. Last evaluated: 2017-11-13. Review status: criteria provided, single submitter. Criteria: GeneDx Variant Classification (06012015). Collection method: clinical testing. Allele origin: germline. Affected: yes.
Comment: This variant is considered likely benign or benign based on one or more of the following criteria: it is a conservative change, it occurs at a poorly conserved position in the protein, it is predicted to be benign by multiple in silico algorithms, and/or has population frequency not consistent with disease.